The following is an entry in ClinVar:

ClinVar aggregate classification (germline): Uncertain significance. Review status: criteria provided, multiple submitters, no conflicts (2 of 4 stars). 2 submissions from 2 submitters: Uncertain significance (2). Last evaluated 2024-06-27.

Conditions:
Episodic ataxia type 2 (EA2). Also called: CEREBELLAR ATAXIA, PAROXYSMAL, ACETAZOLAMIDE-RESPONSIVE; CEREBELLOPATHY, HEREDITARY PAROXYSMAL; EPISODIC ATAXIA, NYSTAGMUS-ASSOCIATED; ACETAZOLAMIDE-RESPONSIVE HEREDITARY PAROXYSMAL CEREBELLAR ATAXIA; ATAXIA, EPISODIC, WITH NYSTAGMUS; ATAXIA, FAMILIAL PAROXYSMAL. Identifiers: Orphanet 97, MedGen C1720416, MONDO:0007163, OMIM 108500.
Developmental and epileptic encephalopathy, 42 (DEE42A). Also called: Epileptic encephalopathy, early infantile, 42; DEVELOPMENTAL AND EPILEPTIC ENCEPHALOPATHY 42A; EPILEPTIC ENCEPHALOPATHY, EARLY INFANTILE, 42A. Identifiers: MedGen C4310716, MONDO:0014917, OMIM 617106.

Submissions (2):

GeneDx
Classification: Uncertain significance. Last evaluated: 2024-06-27. Review status: criteria provided, single submitter. Criteria: GeneDx Variant Classification Process June 2021. Collection method: clinical testing. Allele origin: germline. Affected: yes.
Comment: Not observed at significant frequency in large population cohorts (gnomAD); In silico analysis supports that this missense variant has a deleterious effect on protein structure/function; Has not been previously published as pathogenic or benign to our knowledge

Labcorp Genetics (formerly Invitae), Labcorp
Classification: Uncertain significance for Developmental and epileptic encephalopathy, 42; Episodic ataxia type 2. Last evaluated: 2023-04-09. Review status: criteria provided, single submitter. Criteria: Invitae Variant Classification Sherloc (09022015). Collection method: clinical testing. Allele origin: germline.
Comment: In summary, the available evidence is currently insufficient to determine the role of this variant in disease. Therefore, it has been classified as a Variant of Uncertain Significance. Advanced modeling of protein sequence and biophysical properties (such as structural, functional, and spatial information, amino acid conservation, physicochemical variation, residue mobility, and thermodynamic stability) performed at Invitae indicates that this missense variant is not expected to disrupt CACNA1A protein function. This variant has not been reported in the literature in individuals affected with CACNA1A-related conditions. This variant is not present in population databases (gnomAD no frequency). This sequence change replaces histidine, which is basic and polar, with leucine, which is neutral and non-polar, at codon 1008 of the CACNA1A protein (p.His1008Leu).

NM_001127222.2(CACNA1A):c.3020A>T (p.His1007Leu)

Gene: CACNA1A (calcium voltage-gated channel subunit alpha1 A; minus strand). Cytogenetic location: 19p13.13.
Variant type: single nucleotide variant.
Coding change: c.3020A>T on transcript NM_001127222.2 (MANE Select); coding-DNA position 3020, A replaced by T.
Protein change: p.His1007Leu; replaces histidine 1007 with leucine.
Molecular consequence: missense variant.
Genome position (GRCh38, 1-based): chr19:13,298,613, T>A on the plus strand (A>T on the coding strand, the complement: CACNA1A is on the minus strand). VCF-style: chr19-13298613-T-A. GRCh37 (hg19) VCF-style: chr19-13409427-T-A.
Other names: c.3032A>T, p.His1011Leu (NM_000068.4, NM_023035.3); c.3023A>T, p.His1008Leu (NM_001127221.2, NM_001174080.2); short protein forms H1008L, H1007L, H1011L.
Identifiers: ClinVar variation 2940452 (VCV002940452.4), dbSNP rs2512904869, ClinGen allele CA404342235.
Genomic context (GRCh38, chr19:13,298,613, plus strand): 5'-CGATGCCTCCGCTCCTTGTCCTCCCTCCGCGCGTCCCCCTCGTACGTGGCTGGAGCGCCA[T>A]GCCGGTGCCTTCTCCTGCGCTCGCCCCCGTCGGGGCCCTCGCCCTCGCCCTCGCCGCCCC-3'
Protein context (NP_001120694.1, residues 997-1017): DGGERRRRHR[His1007Leu]GAPATYEGDA